The following is an entry in ClinVar:

NM_080680.3(COL11A2):c.1971+12C>T

Gene: COL11A2 (collagen type XI alpha 2 chain; minus strand). Cytogenetic location: 6p21.32.
Variant type: single nucleotide variant.
Coding change: c.1971+12C>T on transcript NM_080680.3 (MANE Select); 12 bases into the intron after coding-DNA position 1971, C replaced by T.
Molecular consequence: intron variant.
Genome position (GRCh38, 1-based): chr6:33,177,400, G>A on the plus strand (C>T on the coding strand, the complement: COL11A2 is on the minus strand). VCF-style: chr6-33177400-G-A. GRCh37 (hg19) VCF-style: chr6-33145177-G-A.
Other names: c.1650+12C>T (NM_080679.3); c.1713+12C>T (NM_080681.3).
Identifiers: ClinVar variation 507368 (VCV000507368.7), dbSNP rs201383281, ClinGen allele CA3751111.

ClinVar aggregate classification (germline): Likely benign. Review status: criteria provided, multiple submitters, no conflicts (2 of 4 stars). 3 submissions from 3 submitters: Likely benign (3). Last evaluated 2026-01-19.

Allele frequency attached by ClinVar (database versions not stated): ExAC 0.00001; gnomAD 0.00002; gnomAD exomes 0.00002 and 0.00011; TOPMed 0.00004; ESP Exome Variant Server 0.00012.
gnomAD v4.1: 154 of 1,612,682 alleles (0.0095%); highest among the groups gnomAD compares: Non-Finnish European, 0.013%; no homozygotes.

Submissions (3):

Labcorp Genetics (formerly Invitae), Labcorp
Classification: Likely benign. Last evaluated: 2026-01-19. Review status: criteria provided, single submitter. Criteria: Invitae Variant Classification Sherloc (09022015). Collection method: clinical testing. Allele origin: germline.

Blueprint Genetics
Classification: Likely benign. Last evaluated: 2024-04-16. Review status: criteria provided, single submitter. Criteria: ACMG Guidelines, 2015. Collection method: clinical testing. Allele origin: germline.

GeneDx
Classification: Likely benign. Last evaluated: 2017-02-10. Review status: criteria provided, single submitter. Criteria: GeneDx Variant Classification (06012015). Collection method: clinical testing. Allele origin: germline. Affected: yes.
Comment: This variant is considered likely benign or benign based on one or more of the following criteria: it is a conservative change, it occurs at a poorly conserved position in the protein, it is predicted to be benign by multiple in silico algorithms, and/or has population frequency not consistent with disease.